The following is an entry in ClinVar:

ClinVar aggregate classification (germline): Uncertain significance (1 of 4 stars; one submission).

Conditions:
Koolen-de Vries syndrome (KDVS). Identifiers: Orphanet 96169, MedGen C1864871, MONDO:0012496, OMIM 610443.

Submission:

Labcorp Genetics (formerly Invitae), Labcorp
Classification: Uncertain significance for Koolen-de Vries syndrome. Last evaluated: 2023-12-18. Review status: criteria provided, single submitter. Criteria: Invitae Variant Classification Sherloc (09022015). Collection method: clinical testing. Allele origin: germline.
Comment: This sequence change replaces arginine, which is basic and polar, with glycine, which is neutral and non-polar, at codon 748 of the KANSL1 protein (p.Arg748Gly). This variant is not present in population databases (gnomAD no frequency). This variant has not been reported in the literature in individuals affected with KANSL1-related conditions. Advanced modeling of protein sequence and biophysical properties (such as structural, functional, and spatial information, amino acid conservation, physicochemical variation, residue mobility, and thermodynamic stability) performed at Invitae indicates that this missense variant is not expected to disrupt KANSL1 protein function with a negative predictive value of 80%. In summary, the available evidence is currently insufficient to determine the role of this variant in disease. Therefore, it has been classified as a Variant of Uncertain Significance.

NM_015443.4(KANSL1):c.2242A>G (p.Arg748Gly)

Gene: KANSL1 (KAT8 regulatory NSL complex subunit 1). Cytogenetic location: 17q21.31.
Variant type: single nucleotide variant.
Coding change: c.2242A>G on transcript NM_015443.4 (MANE Select); coding-DNA position 2242, A replaced by G.
Protein change: p.Arg748Gly; replaces arginine 748 with glycine.
Molecular consequence: missense variant. On other transcripts: intron variant (8).
Genome position (GRCh38, 1-based): chr17:46,039,177, T>C on the plus strand (A>G on the coding strand, the complement: KANSL1 is on the minus strand). VCF-style: chr17-46039177-T-C. GRCh37 (hg19) VCF-style: chr17-44116543-T-C.
Other names: c.2242A>G, p.Arg748Gly (NM_001405855.1, NM_001405856.1, NM_001405857.1 and 8 more transcripts); c.2140A>G, p.Arg714Gly (NM_001405859.1, NM_001405860.1, NM_001405861.1 and 1 more transcripts); c.976A>G, p.Arg326Gly (NM_001405882.1, NM_001405883.1); c.938-491A>G (NM_001405885.1, NM_001405884.1); c.2204-491A>G (NM_001405879.1, NM_001405875.1, NM_001405878.1 and 3 more transcripts); short protein forms R748G, R714G, R326G.
Identifiers: ClinVar variation 2698271 (VCV002698271.3), dbSNP rs2510484389, ClinGen allele CA399981357.
Genomic context (GRCh38, chr17:46,039,177, plus strand): 5'-CTTTTGGCGCTGTCACTCGCTCCACCATGGGCACGGCCCCCACATCGTCTAAGTGCTGCC[T>C]GTGGGTCCTGTCAGGCCGGGTTTGGTGATGGGACAGCTCTGAAGAGGGGAACAGAAAAAG-3'
Protein context (NP_056258.1, residues 738-758): HHQTRPDRTH[Arg748Gly]QHLDDVGAVP